The following is an entry in ClinVar:

ClinVar aggregate classification (germline): Pathogenic. Review status: criteria provided, multiple submitters, no conflicts (2 of 4 stars). 2 submissions from 2 submitters: Pathogenic (2). Last evaluated 2023-09-12.

Conditions:
Familial cancer of breast. Also called: Hereditary breast cancer; BREAST CANCER, FAMILIAL; hereditary breast carcinoma. Identifiers: Orphanet 227535, MedGen C0346153, MONDO:0016419, OMIM 114480. Disease mechanism: loss of function.

Submissions (2):

Myriad Genetics, Inc.
Classification: Pathogenic for Familial cancer of breast. Last evaluated: 2023-09-12. Review status: criteria provided, single submitter. Criteria: Myriad Autosomal Dominant, Autosomal Recessive and X-Linked Classification Criteria (2023). Collection method: clinical testing. Allele origin: unknown.
Comment: This variant is considered pathogenic. This variant creates a frameshift predicted to result in premature protein truncation.

Labcorp Genetics (formerly Invitae), Labcorp
Classification: Pathogenic for Familial cancer of breast. Last evaluated: 2022-03-11. Review status: criteria provided, single submitter. Criteria: Invitae Variant Classification Sherloc (09022015). Collection method: clinical testing. Allele origin: germline.
Comment: For these reasons, this variant has been classified as Pathogenic. This variant has not been reported in the literature in individuals affected with PALB2-related conditions. This variant is not present in population databases (gnomAD no frequency). This sequence change creates a premature translational stop signal (p.Thr809Glnfs*4) in the PALB2 gene. It is expected to result in an absent or disrupted protein product. Loss-of-function variants in PALB2 are known to be pathogenic (PMID: 17200668, 17200671, 17200672, 24136930, 25099575).

Literature cited by the submitters: PubMed 17200668 (cited by Labcorp Genetics (formerly Invitae), Labcorp); PubMed 17200671 (cited by Labcorp Genetics (formerly Invitae), Labcorp); PubMed 17200672 (cited by Labcorp Genetics (formerly Invitae), Labcorp); PubMed 24136930 (cited by Labcorp Genetics (formerly Invitae), Labcorp); PubMed 25099575 (cited by Labcorp Genetics (formerly Invitae), Labcorp).

NM_024675.4(PALB2):c.2425_2432delinsCAG (p.Thr809fs)

Gene: PALB2 (partner and localizer of BRCA2; minus strand). Cytogenetic location: 16p12.2.
Variant type: Indel.
Coding change: c.2425_2432delinsCAG on transcript NM_024675.4 (MANE Select); coding-DNA positions 2425 to 2432, ACACCTCC replaced by CAG.
Protein change: p.Thr809fs; shifts the reading frame from threonine 809.
Molecular consequence: frameshift variant.
Genome position (GRCh38, 1-based): chr16:23,629,722-23,629,729, GGAGGTGT replaced by CTG on the plus strand (ACACCTCC replaced by CAG on the coding strand, the reverse complement: PALB2 is on the minus strand). VCF-style: chr16-23629722-GGAGGTGT-CTG. GRCh37 (hg19) VCF-style: chr16-23641043-GGAGGTGT-CTG.
Other names: c.2365_2372delACACCTCCinsCAG, p.Thr789Glnfs (NM_001407296.1); c.2425_2432delACACCTCCinsCAG, p.Thr809Glnfs (NM_001407297.1, NM_001407298.1, NM_001407299.1 and 3 more transcripts); c.1540_1547delACACCTCCinsCAG, p.Thr514Glnfs (NM_001407304.1, NM_001407305.1, NM_001407306.1 and 5 more transcripts); c.637_644delACACCTCCinsCAG, p.Thr213Glnfs (NM_001407312.1, NM_001407313.1); short protein forms T809fs.
Identifiers: ClinVar variation 1978384 (VCV001978384.5), dbSNP rs2506405916, ClinGen allele CA2580091321.